The following is an entry in ClinVar:

ClinVar aggregate classification (germline): Uncertain significance (1 of 4 stars; one submission).

Conditions:
Inborn genetic diseases. Identifiers: MedGen C0950123, MeSH D030342.

gnomAD v4.1: 3 of 1,613,696 alleles (0.00019%); highest among the groups gnomAD compares: South Asian, 0.0022%; no homozygotes.

Submission:

Ambry Genetics
Classification: Uncertain significance for Inborn genetic diseases. Last evaluated: 2024-12-15. Review status: criteria provided, single submitter. Criteria: Ambry Variant Classification Scheme 2023. Collection method: clinical testing. Allele origin: germline.
Comment: The p.A361E variant (also known as c.1082C>A), located in coding exon 1 of the SAMD9 gene, results from a C to A substitution at nucleotide position 1082. The alanine at codon 361 is replaced by glutamic acid, an amino acid with dissimilar properties. This amino acid position is conserved. In addition, this alteration is predicted to be tolerated by in silico analysis. Based on the available evidence, the clinical significance of this variant remains unclear.

NM_017654.4(SAMD9):c.1082C>A (p.Ala361Glu)

Gene: SAMD9 (sterile alpha motif domain containing 9; minus strand). Cytogenetic location: 7q21.2.
Variant type: single nucleotide variant.
Coding change: c.1082C>A on transcript NM_017654.4 (MANE Select); coding-DNA position 1082, C replaced by A.
Protein change: p.Ala361Glu; replaces alanine 361 with glutamic acid.
Molecular consequence: missense variant.
Genome position (GRCh38, 1-based): chr7:93,105,016, G>T on the plus strand (C>A on the coding strand, the complement: SAMD9 is on the minus strand). VCF-style: chr7-93105016-G-T. GRCh37 (hg19) VCF-style: chr7-92734329-G-T.
Other names: c.1082C>A, p.Ala361Glu (NM_001193307.2); short protein forms A361E.
Identifiers: ClinVar variation 3791914 (VCV003791914.1).